The following is an entry in ClinVar:

NM_001394998.1(TANC2):c.1808-7A>G

Gene: TANC2 (tetratricopeptide repeat, ankyrin repeat and coiled-coil containing 2; plus strand). Cytogenetic location: 17q23.3.
Variant type: single nucleotide variant.
Coding change: c.1808-7A>G on transcript NM_001394998.1 (MANE Select); 7 bases into the intron before coding-DNA position 1808, A replaced by G.
Molecular consequence: intron variant.
Genome position (GRCh38, 1-based): chr17:63,351,243, A>G. VCF-style: chr17-63351243-A-G. GRCh37 (hg19) VCF-style: chr17-61428604-A-G.
Other names: c.1586-7A>G (NM_001411076.1, NM_025185.4).
Identifiers: ClinVar variation 3036264 (VCV003036264.2), dbSNP rs1374586219, ClinGen allele CA627147484.

ClinVar aggregate classification (germline): Likely benign (0 of 4 stars; one submission).

Conditions:
TANC2-related disorder. Also called: TANC2-related condition.

Allele frequency attached by ClinVar (database versions not stated): TOPMed 0.00001; gnomAD 0.00002.
gnomAD v4.1: 8 of 1,599,770 alleles (0.0005%); highest among the groups gnomAD compares: African/African-American, 0.0014%; no homozygotes.

Submission:

PreventionGenetics, part of Exact Sciences
Classification: Likely benign for TANC2-related condition. Last evaluated: 2021-08-09. Review status: no assertion criteria provided. Collection method: clinical testing. Allele origin: germline.
Comment: This variant is classified as likely benign based on ACMG/AMP sequence variant interpretation guidelines (Richards et al. 2015 PMID: 25741868, with internal and published modifications).